The following is an entry in ClinVar:

ClinVar aggregate classification (germline): Conflicting classifications of pathogenicity. Review status: criteria provided, conflicting classifications (1 of 4 stars). 6 submissions from 6 submitters: Uncertain significance (5); Likely benign (1). Last evaluated 2025-11-09.

Conditions:
Cardiovascular phenotype. Identifiers: MedGen CN230736.
Primary familial dilated cardiomyopathy (FDC). Also called: Familial dilated cardiomyopathy; Hypokinetic dilated cardiomyopathy, familial. Identifiers: Orphanet 217607, MedGen C0340427, MONDO:0016333.
Dilated cardiomyopathy 1O (CMD1O). Also called: CARDIOMYOPATHY, DILATED, WITH VENTRICULAR TACHYCARDIA. Identifiers: Orphanet 154, MedGen C1837839, MONDO:0012062, OMIM 608569.

Allele frequency attached by ClinVar (database versions not stated): gnomAD 0.00002; gnomAD exomes 0.00002 and 0.00003; ExAC 0.00003; TOPMed 0.00005; ESP Exome Variant Server 0.00015.
gnomAD v4.1: 41 of 1,613,438 alleles (0.0025%); highest among the groups gnomAD compares: Admixed American, 0.0033%; no homozygotes.

Submissions (6):

Labcorp Genetics (formerly Invitae), Labcorp
Classification: Uncertain significance for Dilated cardiomyopathy 1O. Last evaluated: 2025-11-09. Review status: criteria provided, single submitter. Criteria: Invitae Variant Classification Sherloc (09022015). Collection method: clinical testing. Allele origin: germline.
Comment: This sequence change replaces arginine, which is basic and polar, with glutamine, which is neutral and polar, at codon 620 of the ABCC9 protein (p.Arg620Gln). This variant is present in population databases (rs139539832, gnomAD 0.007%). This variant has not been reported in the literature in individuals affected with ABCC9-related conditions. ClinVar contains an entry for this variant (Variation ID: 520507). Invitae Evidence Modeling of protein sequence and biophysical properties (such as structural, functional, and spatial information, amino acid conservation, physicochemical variation, residue mobility, and thermodynamic stability) has been performed for this missense variant. However, the output from this modeling did not meet the statistical confidence thresholds required to predict the impact of this variant on ABCC9 protein function. In summary, the available evidence is currently insufficient to determine the role of this variant in disease. Therefore, it has been classified as a Variant of Uncertain Significance.

Women's Health and Genetics/Laboratory Corporation of America, LabCorp
Classification: Uncertain significance. Last evaluated: 2025-09-04. Review status: criteria provided, single submitter. Criteria: LabCorp Variant Classification Summary - May 2015. Collection method: clinical testing. Allele origin: germline.
Comment: Variant summary: ABCC9 c.1859G>A (p.Arg620Gln) results in a conservative amino acid change in the encoded protein sequence. Algorithms developed to predict the effect of missense changes on protein structure and function are either unavailable or do not agree on the potential impact of this missense change. The variant allele was found at a frequency of 2e-05 in 250796 control chromosomes (gnomAD). The available data on variant occurrences in the general population are insufficient to allow any conclusion about variant significance. c.1859G>A has been observed in one individual affected with sudden infant death syndrome (Neubauer_2017). The report does not provide unequivocal conclusions about association of the variant with Intellectual disability and myopathy syndrome. To our knowledge, no experimental evidence demonstrating an impact on protein function has been reported. The following publication have been ascertained in the context of this evaluation (PMID: 28074886). ClinVar contains an entry for this variant (Variation ID: 520507). Based on the evidence outlined above, the variant was classified as uncertain significance.

Blueprint Genetics
Classification: Likely benign. Last evaluated: 2024-08-22. Review status: criteria provided, single submitter. Criteria: ACMG Guidelines, 2015. Collection method: clinical testing. Allele origin: germline.

Ambry Genetics
Classification: Uncertain significance for Cardiovascular phenotype. Last evaluated: 2023-07-24. Review status: criteria provided, single submitter. Criteria: Ambry Variant Classification Scheme 2023. Collection method: clinical testing. Allele origin: germline.
Comment: The p.R620Q variant (also known as c.1859G>A), located in coding exon 13 of the ABCC9 gene, results from a G to A substitution at nucleotide position 1859. The arginine at codon 620 is replaced by glutamine, an amino acid with highly similar properties. This variant has been detected in a sudden infant death syndrome case; however, details were limited and another variant in a cardiac-related gene was also detected (Neubauer J et al. Eur J Hum Genet, 2017 Apr;25:404-409). This amino acid position is highly conserved in available vertebrate species. In addition, the in silico prediction for this alteration is inconclusive. Since supporting evidence is limited at this time, the clinical significance of this alteration remains unclear.

GeneDx
Classification: Uncertain significance. Last evaluated: 2020-01-03. Review status: criteria provided, single submitter. Criteria: GeneDx Variant Classification Process June 2021. Collection method: clinical testing. Allele origin: germline. Affected: yes.
Comment: Reported in ClinVar as a variant of uncertain significance, but additional evidence is not available (ClinVar Variant ID#520507; Landrum et al., 2016); In silico analysis, which includes protein predictors and evolutionary conservation, supports that this variant does not alter protein structure/function; Not observed at a significant frequency in large population cohorts (Lek et al., 2016); This variant is associated with the following publications: (PMID: 28074886)

Molecular Diagnostic Laboratory for Inherited Cardiovascular Disease, Montreal Heart Institute
Classification: Uncertain significance for Primary familial dilated cardiomyopathy. Last evaluated: 2017-01-25. Review status: criteria provided, single submitter. Criteria: ACMG Guidelines, 2015. Collection method: clinical testing. Allele origin: germline. Affected: yes.

Literature cited by the submitters: PubMed 28074886 (cited by Women's Health and Genetics/Laboratory Corporation of America, LabCorp and Ambry Genetics).

NM_020297.4(ABCC9):c.1859G>A (p.Arg620Gln)

Gene: ABCC9 (ATP binding cassette subfamily C member 9; minus strand). Cytogenetic location: 12p12.1.
Variant type: single nucleotide variant.
Coding change: c.1859G>A on transcript NM_020297.4 (MANE Select); coding-DNA position 1859, G replaced by A.
Protein change: p.Arg620Gln; replaces arginine 620 with glutamine.
Molecular consequence: missense variant.
Genome position (GRCh38, 1-based): chr12:21,887,878, C>T on the plus strand (G>A on the coding strand, the complement: ABCC9 is on the minus strand). VCF-style: chr12-21887878-C-T. GRCh37 (hg19) VCF-style: chr12-22040812-C-T.
Other names: c.1859G>A, p.Arg620Gln (NM_001377273.1, NM_005691.4); c.995G>A, p.Arg332Gln (NM_001377274.1); c.1859G>A (NM_005691.2); short protein forms R620Q, R332Q.
Identifiers: ClinVar variation 520507 (VCV000520507.18), dbSNP rs139539832, ClinGen allele CA6481571.